The following is an entry in ClinVar:

ClinVar aggregate classification (germline): Uncertain significance. Review status: criteria provided, multiple submitters, no conflicts (2 of 4 stars). 5 submissions from 5 submitters: Uncertain significance (4). 1 of the submissions does not count toward it. Last evaluated 2026-05-29.

Conditions:
BBS1-related disorder. Also called: BBS1-related condition.
Inborn genetic diseases. Identifiers: MedGen C0950123, MeSH D030342.
Bardet-Biedl syndrome 1 (BBS1). Identifiers: MedGen C2936862, MONDO:0008854, OMIM 209900. Disease mechanism: loss of function.

Allele frequency attached by ClinVar (database versions not stated): gnomAD 0.00001; TOPMed 0.00002; ESP Exome Variant Server 0.00008; gnomAD exomes 0.00001.
gnomAD v4.1: 11 of 1,607,548 alleles (0.00068%); highest among the groups gnomAD compares: Non-Finnish European, 0.00093%; no homozygotes.

Submissions (5):

PreventionGenetics, part of Exact Sciences
Classification: Uncertain significance for BBS1-related condition. Last evaluated: 2026-05-29. Review status: criteria provided, single submitter. Criteria: ACMG Guidelines, 2015. Collection method: clinical testing. Allele origin: germline.
Comment: The BBS1 c.1738G>A variant is predicted to result in the amino acid substitution p.Ala580Thr. To our knowledge, this variant has not been reported in the literature or in a large population database (gnomAD), indicating this variant is rare. At this time, the clinical significance of this variant is uncertain due to the absence of conclusive functional and genetic evidence.

Ambry Genetics
Classification: Uncertain significance for Inborn genetic diseases. Last evaluated: 2025-08-29. Review status: criteria provided, single submitter. Criteria: Ambry Variant Classification Scheme 2023. Collection method: clinical testing. Allele origin: germline.

Fulgent Genetics
Classification: Uncertain significance for Bardet-Biedl syndrome 1. Last evaluated: 2024-02-02. Review status: criteria provided, single submitter. Criteria: ACMG Guidelines, 2015. Collection method: clinical testing. Allele origin: germline.

Blueprint Genetics
Classification: Uncertain significance. Last evaluated: 2021-10-01. Review status: criteria provided, single submitter. Criteria: ACMG Guidelines, 2015. Collection method: clinical testing. Allele origin: germline.

Gharavi Laboratory, Columbia University
Classification: Uncertain significance. Last evaluated: 2018-09-16. Review status: no assertion criteria provided. Criteria: ACMG Guidelines, 2015. Collection method: research. Allele origin: germline. Affected: yes. Not counted in ClinVar's aggregate classification.

NM_024649.5(BBS1):c.1738G>A (p.Ala580Thr)

Genes: BBS1 (Bardet-Biedl syndrome 1; plus strand), ZDHHC24 (zDHHC palmitoyltransferase 24; minus strand). Cytogenetic location: 11q13.2.
Variant type: single nucleotide variant.
Coding change: c.1738G>A on transcript NM_024649.5 (MANE Select); coding-DNA position 1738, G replaced by A.
Protein change: p.Ala580Thr; replaces alanine 580 with threonine.
Molecular consequence: missense variant. On other transcripts: intron variant (1).
Genome position (GRCh38, 1-based): chr11:66,531,993, G>A. VCF-style: chr11-66531993-G-A. GRCh37 (hg19) VCF-style: chr11-66299464-G-A.
Other names: c.560-2505C>T (NM_001348571.2); short protein forms A580T.
Identifiers: ClinVar variation 591463 (VCV000591463.10), dbSNP rs367751525, ClinGen allele CA224050702.
Genomic context (GRCh38, chr11:66,531,993, plus strand): 5'-ATGGCCACTCCTCCATAGGTGCTGGTGCTTCGAGAAGGCCAAAGTGCACCCCTGCTGAGT[G>A]CCCACGTCAACATGCCTGGGAGCGAGGGGCTGGCGGCCGCCTGAGACCTGAGCTGCTGTG-3'
Protein context (NP_078925.3, residues 570-590): REGQSAPLLS[Ala580Thr]HVNMPGSEGL